The following is an entry in ClinVar:

ClinVar aggregate classification (germline): Uncertain significance (1 of 4 stars; one submission).

Submission:

GeneDx
Classification: Uncertain significance. Last evaluated: 2018-01-09. Review status: criteria provided, single submitter. Criteria: GeneDx Variant Classification (06012015). Collection method: clinical testing. Allele origin: germline. Affected: yes.
Comment: The c.1657_1659delAAC variant has not been published as a pathogenic variant, nor has it been reported as a benign variant to our knowledge. The c.1657_1659delAAC variant is not observed in large population cohorts (Lek et al., 2016). The c.1657_1659delAAC variant causes the loss of a single amino acid, Asparagine 553. In-silico analyses, including protein predictors and evolutionary conservation, support a deleterious effect. However, the common mechanism of disease in the RAF1 gene is gain-of-function effects due to missense variation. In summary, based on the currently available information, it is unclear whether this variant is a pathogenic variant or a rare benign variant.

NM_002880.4(RAF1):c.1654AAC[1] (p.Asn553del)

Gene: RAF1 (Raf-1 proto-oncogene, serine/threonine kinase; minus strand). Cytogenetic location: 3p25.2.
Variant type: Microsatellite.
Coding change: c.1654AAC[1] on transcript NM_002880.4 (MANE Select); one copy of the 3-base unit AAC starting at c.1654; the reference has two copies in a row; one copy, 3 bases deleted.
Protein change: p.Asn553del; deletes asparagine 553.
Molecular consequence: inframe deletion. On other transcripts: non-coding transcript variant (3).
Genome position (GRCh38, 1-based): chr3:12,585,131-12,585,133, GTT deleted on the plus strand (AAC on the coding strand, the reverse complement: RAF1 is on the minus strand); deleting any 3 consecutive bases within chr3:12,585,131-12,585,137 gives the same sequence; the position shown is the placement nearest the transcript's 3' end. VCF-style (leftmost placement, unchanged base first): chr3-12585130-GGTT-G. GRCh37 (hg19) VCF-style: chr3-12626629-GGTT-G.
Other names: c.1657_1659delAAC (NM_002880.3); c.1714AAC[1], p.Asn573del (NM_001354689.3); c.1654AAC[1], p.Asn553del (NM_001354690.3); c.1411AAC[1], p.Asn472del (NM_001354691.3, NM_001354692.3); c.1555AAC[1], p.Asn520del (NM_001354693.3); c.1471AAC[1], p.Asn492del (NM_001354694.3); c.1312AAC[1], p.Asn439del (NM_001354695.3); short protein forms N553del, N492del, N439del, N472del, N520del, N573del.
Identifiers: ClinVar variation 504078 (VCV000504078.2), dbSNP rs1455454651, ClinGen allele CA658796241.